The following is an entry in ClinVar:

NM_001365999.1(SZT2):c.5551C>T (p.Arg1851Trp)

Gene: SZT2 (SZT2 subunit of KICSTOR complex; plus strand). Cytogenetic location: 1p34.2.
Variant type: single nucleotide variant.
Coding change: c.5551C>T on transcript NM_001365999.1 (MANE Select); coding-DNA position 5551, C replaced by T.
Protein change: p.Arg1851Trp; replaces arginine 1851 with tryptophan.
Molecular consequence: missense variant.
Genome position (GRCh38, 1-based): chr1:43,432,748, C>T. VCF-style: chr1-43432748-C-T. GRCh37 (hg19) VCF-style: chr1-43898419-C-T.
Other names: c.5380C>T, p.Arg1794Trp (NM_015284.4); short protein forms R1794W, R1851W.
Identifiers: ClinVar variation 588506 (VCV000588506.17), dbSNP rs148100527, ClinGen allele CA809625.

ClinVar aggregate classification (germline): Uncertain significance. Review status: criteria provided, multiple submitters, no conflicts (2 of 4 stars). 5 submissions from 5 submitters: Uncertain significance (5). Last evaluated 2025-12-12.

Conditions:
Inborn genetic diseases. Identifiers: MedGen C0950123, MeSH D030342.
Developmental and epileptic encephalopathy, 18 (DEE18). Also called: Early infantile epileptic encephalopathy 18. Identifiers: Orphanet 369894, MedGen C3809624, MONDO:0014201, OMIM 615476.

Allele frequency attached by ClinVar (database versions not stated): gnomAD 0.00006 and 0.00009; gnomAD exomes 0.00013 and 0.00019; TOPMed 0.00013; ESP Exome Variant Server 0.00015; ExAC 0.00022.
gnomAD v4.1: 204 of 1,613,894 alleles (0.013%); highest among the groups gnomAD compares: East Asian, 0.15%; no homozygotes.

Submissions (5):

GeneDx
Classification: Uncertain significance. Last evaluated: 2025-12-12. Review status: criteria provided, single submitter. Criteria: GeneDx Variant Classification Process June 2021. Collection method: clinical testing. Allele origin: germline.
Comment: In silico analysis supports that this missense variant has a deleterious effect on protein structure/function; This variant is associated with the following publications: (PMID: 36539902, 37213690)

Labcorp Genetics (formerly Invitae), Labcorp
Classification: Uncertain significance. Last evaluated: 2023-11-20. Review status: criteria provided, single submitter. Criteria: Invitae Variant Classification Sherloc (09022015). Collection method: clinical testing. Allele origin: germline.
Comment: This sequence change replaces arginine, which is basic and polar, with tryptophan, which is neutral and slightly polar, at codon 1794 of the SZT2 protein (p.Arg1794Trp). This variant is present in population databases (rs148100527, gnomAD 0.1%). This variant has not been reported in the literature in individuals affected with SZT2-related conditions. ClinVar contains an entry for this variant (Variation ID: 588506). Advanced modeling of protein sequence and biophysical properties (such as structural, functional, and spatial information, amino acid conservation, physicochemical variation, residue mobility, and thermodynamic stability) performed at Invitae indicates that this missense variant is expected to disrupt SZT2 protein function with a positive predictive value of 80%. Algorithms developed to predict the effect of sequence changes on RNA splicing suggest that this variant may disrupt the consensus splice site. In summary, the available evidence is currently insufficient to determine the role of this variant in disease. Therefore, it has been classified as a Variant of Uncertain Significance.

Revvity Omics, Revvity
Classification: Uncertain significance for Developmental and epileptic encephalopathy, 18. Last evaluated: 2023-11-09. Review status: criteria provided, single submitter. Criteria: ACMG Guidelines, 2015. Collection method: clinical testing. Allele origin: germline.

Genome-Nilou Lab
Classification: Uncertain significance for Developmental and epileptic encephalopathy, 18. Last evaluated: 2023-04-11. Review status: criteria provided, single submitter. Criteria: ACMG Guidelines, 2015. Collection method: clinical testing. Allele origin: germline. Affected: no.

Ambry Genetics
Classification: Uncertain significance for Inborn genetic diseases. Last evaluated: 2022-10-12. Review status: criteria provided, single submitter. Criteria: Ambry Variant Classification Scheme 2023. Collection method: clinical testing. Allele origin: germline.